The following is an entry in ClinVar:

ClinVar aggregate classification (germline): Uncertain significance (1 of 4 stars; one submission).

Conditions:
Autosomal recessive ataxia, Beauce type. Also called: ATAXIA, RECESSIVE, OF BEAUCE; Spinocerebellar ataxia, autosomal recessive 8; SYNE1-Related Autosomal Recessive Cerebellar Ataxia; SYNE1 Deficiency. Identifiers: Orphanet 88644, MedGen C1853116, MONDO:0012549, OMIM 610743.
Emery-Dreifuss muscular dystrophy 4, autosomal dominant (EDMD4). Also called: EMERY-DREIFUSS MUSCULAR DYSTROPHY 4 WITH VARIABLE FEATURES. Identifiers: Orphanet 261, MedGen C2751807, MONDO:0013071, OMIM 612998.

Allele frequency attached by ClinVar (database versions not stated): gnomAD exomes below 0.00001 and 0.00001; ExAC 0.00001; gnomAD 0.00001; TOPMed 0.00001.
gnomAD v4.1: 8 of 1,613,728 alleles (0.0005%); highest among the groups gnomAD compares: Admixed American, 0.0017%; no homozygotes.

Submission:

Labcorp Genetics (formerly Invitae), Labcorp
Classification: Uncertain significance for Emery-Dreifuss muscular dystrophy 4, autosomal dominant; Autosomal recessive ataxia, Beauce type. Last evaluated: 2020-02-17. Review status: criteria provided, single submitter. Criteria: Invitae Variant Classification Sherloc (09022015). Collection method: clinical testing. Allele origin: germline.
Comment: This variant is present in population databases (rs767883709, ExAC 0.001%). This sequence change replaces serine with leucine at codon 1482 of the SYNE1 protein (p.Ser1482Leu). The serine residue is highly conserved and there is a large physicochemical difference between serine and leucine. This variant has not been reported in the literature in individuals with SYNE1-related conditions. In summary, the available evidence is currently insufficient to determine the role of this variant in disease. Therefore, it has been classified as a Variant of Uncertain Significance. Algorithms developed to predict the effect of missense changes on protein structure and function are either unavailable or do not agree on the potential impact of this missense change (SIFT: "Deleterious"; PolyPhen-2: "Benign"; Align-GVGD: "Class C0").

NM_182961.4(SYNE1):c.4424C>T (p.Ser1475Leu)

Gene: SYNE1 (spectrin repeat containing nuclear envelope protein 1; minus strand). Cytogenetic location: 6q25.2.
Variant type: single nucleotide variant.
Coding change: c.4424C>T on transcript NM_182961.4 (MANE Select); coding-DNA position 4424, C replaced by T.
Protein change: p.Ser1475Leu; replaces serine 1475 with leucine.
Molecular consequence: missense variant.
Genome position (GRCh38, 1-based): chr6:152,433,832, G>A on the plus strand (C>T on the coding strand, the complement: SYNE1 is on the minus strand). VCF-style: chr6-152433832-G-A. GRCh37 (hg19) VCF-style: chr6-152754967-G-A.
Other names: c.4445C>T, p.Ser1482Leu (NM_033071.5); short protein forms S1475L, S1482L.
Identifiers: ClinVar variation 1008748 (VCV001008748.8), dbSNP rs767883709, ClinGen allele CA4058571.